The following is an entry in ClinVar:

NM_001130144.3(LTBP3):c.2473G>A (p.Glu825Lys)

Gene: LTBP3 (latent transforming growth factor beta binding protein 3; minus strand). Cytogenetic location: 11q13.1.
Variant type: single nucleotide variant.
Coding change: c.2473G>A on transcript NM_001130144.3 (MANE Select); coding-DNA position 2473, G replaced by A.
Protein change: p.Glu825Lys; replaces glutamic acid 825 with lysine.
Molecular consequence: missense variant.
Genome position (GRCh38, 1-based): chr11:65,543,430, C>T on the plus strand (G>A on the coding strand, the complement: LTBP3 is on the minus strand). VCF-style: chr11-65543430-C-T. GRCh37 (hg19) VCF-style: chr11-65310901-C-T.
Other names: c.2122G>A, p.Glu708Lys (NM_001164266.1); c.2473G>A, p.Glu825Lys (NM_021070.4); short protein forms E708K, E825K.
Identifiers: ClinVar variation 1477867 (VCV001477867.11), dbSNP rs147143573, ClinGen allele CA6100606.

ClinVar aggregate classification (germline): Uncertain significance. Review status: criteria provided, multiple submitters, no conflicts (2 of 4 stars). 2 submissions from 2 submitters: Uncertain significance (2). Last evaluated 2025-11-28.

Conditions:
Inborn genetic diseases. Identifiers: MedGen C0950123, MeSH D030342.
Brachyolmia-amelogenesis imperfecta syndrome. Also called: Tooth agenesis, selective, 6; Dental anomalies and short stature; PLATYSPONDYLY WITH AMELOGENESIS IMPERFECTA. Identifiers: Orphanet 2899, MedGen C1832594, MONDO:0011018, OMIM 601216. Disease mechanism: loss of function.

Allele frequency attached by ClinVar (database versions not stated): TOPMed 0.00005; gnomAD 0.00007.
gnomAD v4.1: 122 of 1,613,936 alleles (0.0076%); highest among the groups gnomAD compares: Non-Finnish European, 0.0095%; no homozygotes.

Submissions (2):

Labcorp Genetics (formerly Invitae), Labcorp
Classification: Uncertain significance for Brachyolmia-amelogenesis imperfecta syndrome. Last evaluated: 2025-11-28. Review status: criteria provided, single submitter. Criteria: Invitae Variant Classification Sherloc (09022015). Collection method: clinical testing. Allele origin: germline.
Comment: This sequence change replaces glutamic acid, which is acidic and polar, with lysine, which is basic and polar, at codon 825 of the LTBP3 protein (p.Glu825Lys). This variant is present in population databases (rs147143573, gnomAD 0.006%). This variant has not been reported in the literature in individuals affected with LTBP3-related conditions. ClinVar contains an entry for this variant (Variation ID: 1477867). An algorithm developed to predict the effect of missense changes on protein structure and function (PolyPhen-2) suggests that this variant is likely to be tolerated. In summary, the available evidence is currently insufficient to determine the role of this variant in disease. Therefore, it has been classified as a Variant of Uncertain Significance.

Ambry Genetics
Classification: Uncertain significance for Inborn genetic diseases. Last evaluated: 2025-08-28. Review status: criteria provided, single submitter. Criteria: Ambry Variant Classification Scheme 2023. Collection method: clinical testing. Allele origin: germline.